The following is an entry in ClinVar:

ClinVar aggregate classification (germline): Uncertain significance (1 of 4 stars; one submission).

Conditions:
CHD8-related disorder. Also called: CHD8-related disorders; CHD8-related condition.

Submission:

PreventionGenetics, part of Exact Sciences
Classification: Uncertain significance for CHD8-related condition. Last evaluated: 2025-10-01. Review status: criteria provided, single submitter. Criteria: ACMG Guidelines, 2015. Collection method: clinical testing. Allele origin: germline.
Comment: The CHD8 c.6262_6267del6 variant is predicted to result in an in-frame deletion (p.Ser2093_Ser2094del). To our knowledge, this variant has not been reported in the literature. This variant is reported in 0.0072% of alleles in individuals of South Asian descent in gnomAD. At this time, the clinical significance of this variant is uncertain due to the absence of conclusive functional and genetic evidence.

NM_001170629.2(CHD8):c.6256TCATCC[1] (p.Ser2093_Ser2094del)

Gene: CHD8 (chromodomain helicase DNA binding protein 8; minus strand). Cytogenetic location: 14q11.2.
Variant type: Microsatellite.
Coding change: c.6256TCATCC[1] on transcript NM_001170629.2 (MANE Select); one copy of the 6-base unit TCATCC starting at c.6256; the reference has two copies in a row; one copy, 6 bases deleted.
Protein change: p.Ser2093_Ser2094del.
Molecular consequence: inframe deletion.
Genome position (GRCh38, 1-based): chr14:21,393,528-21,393,533, GGATGA deleted on the plus strand (TCATCC on the coding strand, the reverse complement: CHD8 is on the minus strand); deleting any 6 consecutive bases within chr14:21,393,528-21,393,542 gives the same sequence; the position shown is the placement nearest the transcript's 3' end. VCF-style (leftmost placement, unchanged base first): chr14-21393527-TGGATGA-T. GRCh37 (hg19) VCF-style: chr14-21861686-TGGATGA-T.
Other names: c.5419TCATCC[1], p.Ser1814_Ser1815del (NM_020920.4).
Identifiers: ClinVar variation 4990942 (VCV004990942.1).